The following is an entry in ClinVar:

NM_152866.3(MS4A1):c.397C>A (p.Leu133Ile)

Gene: MS4A1 (membrane spanning 4-domains A1; plus strand). Cytogenetic location: 11q12.2.
Variant type: single nucleotide variant.
Coding change: c.397C>A on transcript NM_152866.3 (MANE Select); coding-DNA position 397, C replaced by A.
Protein change: p.Leu133Ile; replaces leucine 133 with isoleucine.
Molecular consequence: missense variant.
Genome position (GRCh38, 1-based): chr11:60,465,981, C>A. VCF-style: chr11-60465981-C-A. GRCh37 (hg19) VCF-style: chr11-60233454-C-A.
Other names: c.397C>A, p.Leu133Ile (NM_021950.4, NM_152867.2); short protein forms L133I.
Identifiers: ClinVar variation 1719246 (VCV001719246.5), dbSNP rs2495410326, ClinGen allele CA380599892.

ClinVar aggregate classification (germline): Uncertain significance (1 of 4 stars; one submission).

Submission:

Labcorp Genetics (formerly Invitae), Labcorp
Classification: Uncertain significance. Last evaluated: 2022-09-22. Review status: criteria provided, single submitter. Criteria: Invitae Variant Classification Sherloc (09022015). Collection method: clinical testing. Allele origin: germline.
Comment: In summary, the available evidence is currently insufficient to determine the role of this variant in disease. Therefore, it has been classified as a Variant of Uncertain Significance. Algorithms developed to predict the effect of missense changes on protein structure and function (SIFT, PolyPhen-2, Align-GVGD) all suggest that this variant is likely to be tolerated. This variant has not been reported in the literature in individuals affected with MS4A1-related conditions. This variant is not present in population databases (gnomAD no frequency). This sequence change replaces leucine, which is neutral and non-polar, with isoleucine, which is neutral and non-polar, at codon 133 of the MS4A1 protein (p.Leu133Ile).